The following is an entry in ClinVar:

ClinVar aggregate classification (germline): Uncertain significance. Review status: criteria provided, multiple submitters, no conflicts (2 of 4 stars). 2 submissions from 2 submitters: Uncertain significance (2). Last evaluated 2025-12-02.

Conditions:
Oligodontia-cancer predisposition syndrome. Also called: TOOTH AGENESIS-COLORECTAL CANCER SYNDROME. Identifiers: Orphanet 300576, MedGen C1837750, MONDO:0012075, OMIM 608615. Disease mechanism: loss of function.
Hereditary cancer-predisposing syndrome. Also called: Neoplastic Syndromes, Hereditary; Tumor predisposition; Hereditary Cancer Syndrome; Hereditary neoplastic syndrome. Identifiers: Orphanet 140162, MedGen C0027672, MeSH D009386, MONDO:0015356.

Allele frequency attached by ClinVar (database versions not stated): gnomAD exomes below 0.00001.
gnomAD v4.1: 4 of 1,613,982 alleles (0.00025%); highest among the groups gnomAD compares: Middle Eastern, 0.016%; no homozygotes.

Submissions (2):

Labcorp Genetics (formerly Invitae), Labcorp
Classification: Uncertain significance for Oligodontia-cancer predisposition syndrome. Last evaluated: 2025-12-02. Review status: criteria provided, single submitter. Criteria: Invitae Variant Classification Sherloc (09022015). Collection method: clinical testing. Allele origin: germline.
Comment: This sequence change replaces alanine, which is neutral and non-polar, with valine, which is neutral and non-polar, at codon 174 of the AXIN2 protein (p.Ala174Val). This variant is not present in population databases (gnomAD no frequency). This variant has not been reported in the literature in individuals affected with AXIN2-related conditions. ClinVar contains an entry for this variant (Variation ID: 464626). Invitae Evidence Modeling of protein sequence and biophysical properties (such as structural, functional, and spatial information, amino acid conservation, physicochemical variation, residue mobility, and thermodynamic stability) indicates that this missense variant is expected to disrupt AXIN2 protein function with a positive predictive value of 80%. In summary, the available evidence is currently insufficient to determine the role of this variant in disease. Therefore, it has been classified as a Variant of Uncertain Significance.

Ambry Genetics
Classification: Uncertain significance for Hereditary cancer-predisposing syndrome. Last evaluated: 2024-10-29. Review status: criteria provided, single submitter. Criteria: Ambry Variant Classification Scheme 2023. Collection method: clinical testing. Allele origin: germline.
Comment: The p.A174V variant (also known as c.521C>T), located in coding exon 1 of the AXIN2 gene, results from a C to T substitution at nucleotide position 521. The alanine at codon 174 is replaced by valine, an amino acid with similar properties. This amino acid position is conserved. In addition, the in silico prediction for this alteration is inconclusive. Since supporting evidence is limited at this time, the clinical significance of this alteration remains unclear.

NM_004655.4(AXIN2):c.521C>T (p.Ala174Val)

Gene: AXIN2 (axin 2; minus strand). Cytogenetic location: 17q24.1.
Variant type: single nucleotide variant.
Coding change: c.521C>T on transcript NM_004655.4 (MANE Select); coding-DNA position 521, C replaced by T.
Protein change: p.Ala174Val; replaces alanine 174 with valine.
Molecular consequence: missense variant.
Genome position (GRCh38, 1-based): chr17:65,558,100, G>A on the plus strand (C>T on the coding strand, the complement: AXIN2 is on the minus strand). VCF-style: chr17-65558100-G-A. GRCh37 (hg19) VCF-style: chr17-63554218-G-A.
Other names: c.521C>T (LRG_296t1); c.521C>T, p.Ala174Val (NM_001363813.1); short protein forms A174V.
Identifiers: ClinVar variation 464626 (VCV000464626.10), dbSNP rs1555583417, ClinGen allele CA400681053.